The following is an entry in ClinVar:

ClinVar aggregate classification (germline): Benign (0 of 4 stars; one submission).

Conditions:
XIRP2-related disorder. Also called: XIRP2-related condition.

Allele frequency attached by ClinVar (database versions not stated): gnomAD exomes 0.12350; ExAC 0.14898; ESP Exome Variant Server 0.16575; gnomAD 0.17317; TOPMed 0.17567; 1000 Genomes Project 30x 0.19816; 1000 Genomes Project 0.19848.
gnomAD v4.1: 207,548 of 1,613,498 alleles (13%); highest among the groups gnomAD compares: African/African-American, 30%; 15,393 homozygotes.

Submission:

PreventionGenetics, part of Exact Sciences
Classification: Benign for XIRP2-related condition. Last evaluated: 2019-11-06. Review status: no assertion criteria provided. Collection method: clinical testing. Allele origin: germline.
Comment: This variant is classified as benign based on ACMG/AMP sequence variant interpretation guidelines (Richards et al. 2015 PMID: 25741868, with internal and published modifications).

NM_152381.6(XIRP2):c.5961G>A (p.Ala1987=)

Gene: XIRP2 (xin actin binding repeat containing 2; plus strand). Cytogenetic location: 2q24.3.
Variant type: single nucleotide variant.
Coding change: c.5961G>A on transcript NM_152381.6 (MANE Select); coding-DNA position 5961, G replaced by A.
Protein change: p.Ala1987=; no amino-acid change (alanine 1987 retained).
Molecular consequence: synonymous variant. On other transcripts: intron variant (3).
Genome position (GRCh38, 1-based): chr2:167,247,353, G>A. VCF-style: chr2-167247353-G-A. GRCh37 (hg19) VCF-style: chr2-168103863-G-A.
Other names: c.5295G>A, p.Ala1765= (NM_001199144.2); c.1275+5443G>A (NM_001199143.2); c.1176+5443G>A (NM_001079810.4); c.510+5443G>A (NM_001199145.2).
Identifiers: ClinVar variation 3056250 (VCV003056250.2), dbSNP rs7581012, ClinGen allele CA1947311.